The following is an entry in ClinVar:

NM_000834.5(GRIN2B):c.2360-2A>G

Gene: GRIN2B (glutamate ionotropic receptor NMDA type subunit 2B; minus strand). Cytogenetic location: 12p13.1.
Variant type: single nucleotide variant.
Coding change: c.2360-2A>G on transcript NM_000834.5 (MANE Select); the canonical splice acceptor site of the intron before coding-DNA position 2360, A replaced by G.
Molecular consequence: splice acceptor variant.
Genome position (GRCh38, 1-based): chr12:13,567,265, T>C on the plus strand (A>G on the coding strand, the complement: GRIN2B is on the minus strand). VCF-style: chr12-13567265-T-C. GRCh37 (hg19) VCF-style: chr12-13720199-T-C.
Other names: IVS11AS, A-G, -2; c.2360-2A>G (NM_001413992.1).
Identifiers: ClinVar variation 29731 (VCV000029731.3), dbSNP rs1057519612, ClinGen allele CA16609335.
Genomic context (GRCh38, chr12:13,567,265, plus strand): 5'-ATTCTTCTCATTGTGACAAATGCCAGTGAGCCAGAGAGCTTCCAGTTCTTCCATCTCCCC[T>C]GGGGAAAGGACAGAGAAGGAAAATGGATAAAAAGAGGAGACAGGAAAGGAGCAGAGAAAA-3'

ClinVar aggregate classification (germline): Pathogenic. Review status: criteria provided, single submitter (1 of 4 stars). 2 submissions from 2 submitters: Pathogenic (1). 1 of the submissions does not count toward it. Last evaluated 2017-04-04.

Conditions:
Intellectual developmental disorder, autosomal dominant 6, with or without seizures. Also called: GRIN2B-related developmental delay, intellectual disability and autism spectrum disorder; Intellectual disability, autosomal dominant 6. Identifiers: Orphanet 589547, MedGen C3151411, MONDO:0013509, OMIM 613970.

Submissions (2):

Institute of Human Genetics, University of Leipzig Medical Center
Classification: Pathogenic for Intellectual developmental disorder, autosomal dominant 6, with or without seizures. Last evaluated: 2017-04-04. Review status: criteria provided, single submitter. Criteria: ACMG Guidelines, 2015. Collection method: clinical testing. Allele origin: de novo. Affected: yes.
Comment: This variant was identified as de novo (maternity and paternity confirmed).

OMIM
Classification: Pathogenic for INTELLECTUAL DEVELOPMENTAL DISORDER, AUTOSOMAL DOMINANT 6. Last evaluated: 2010-11-01. Review status: no assertion criteria provided. Collection method: literature only. Allele origin: germline. Not counted in ClinVar's aggregate classification.

Literature cited by the submitters: PubMed 28377535 (cited by Institute of Human Genetics, University of Leipzig Medical Center); PubMed 20890276 (cited by OMIM).